The following is an entry in ClinVar:

ClinVar aggregate classification (germline): Uncertain significance (1 of 4 stars; one submission).

Allele frequency attached by ClinVar (database versions not stated): gnomAD exomes below 0.00001; TOPMed below 0.00001; gnomAD 0.00001.
gnomAD v4.1: 2 of 1,613,736 alleles (0.00012%); highest among the groups gnomAD compares: Non-Finnish European, 0.000085%; no homozygotes.

Submission:

Labcorp Genetics (formerly Invitae), Labcorp
Classification: Uncertain significance. Last evaluated: 2022-06-14. Review status: criteria provided, single submitter. Criteria: Invitae Variant Classification Sherloc (09022015). Collection method: clinical testing. Allele origin: germline.
Comment: This sequence change replaces serine, which is neutral and polar, with isoleucine, which is neutral and non-polar, at codon 38 of the POLG2 protein (p.Ser38Ile). This variant is not present in population databases (gnomAD no frequency). This variant has not been reported in the literature in individuals affected with POLG2-related conditions. Algorithms developed to predict the effect of missense changes on protein structure and function (SIFT, PolyPhen-2, Align-GVGD) all suggest that this variant is likely to be tolerated. In summary, the available evidence is currently insufficient to determine the role of this variant in disease. Therefore, it has been classified as a Variant of Uncertain Significance.

NM_007215.4(POLG2):c.113G>T (p.Ser38Ile)

Genes: MILR1 (mast cell immunoglobulin like receptor 1; plus strand), POLG2 (DNA polymerase gamma 2, accessory subunit; minus strand). Cytogenetic location: 17q23.3.
Variant type: single nucleotide variant.
Coding change: c.113G>T on transcript NM_007215.4 (MANE Select); coding-DNA position 113, G replaced by T.
Protein change: p.Ser38Ile; replaces serine 38 with isoleucine.
Molecular consequence: missense variant.
Genome position (GRCh38, 1-based): chr17:64,496,856, C>A on the plus strand (G>T on the coding strand, the complement: POLG2 is on the minus strand). VCF-style: chr17-64496856-C-A. GRCh37 (hg19) VCF-style: chr17-62492974-C-A.
Other names: short protein forms S38I.
Identifiers: ClinVar variation 1426711 (VCV001426711.6), dbSNP rs1370398432, ClinGen allele CA400641619.
Genomic context (GRCh38, chr17:64,496,856, plus strand): 5'-TCTGGGTGCTCGCCGTTCCCCTCGAGCTCCGCGTGCGACTTCACATGCCCTCCTTTGGGG[C>A]TACTCCTTTCCGTCAACAGCTCCGGCTGCCCCGCATCTACTCGACCCCCAAACCCAGACA-3'
Protein context (NP_009146.2, residues 28-48): GQPELLTERS[Ser38Ile]PKGGHVKSHA